The following is an entry in ClinVar:

NM_001267550.2(TTN):c.780G>A (p.Lys260=)

Gene: TTN (titin; minus strand). Cytogenetic location: 2q31.2.
Variant type: single nucleotide variant.
Coding change: c.780G>A on transcript NM_001267550.2 (MANE Select); coding-DNA position 780, G replaced by A.
Protein change: p.Lys260=; no amino-acid change (lysine 260 retained).
Molecular consequence: synonymous variant.
Genome position (GRCh38, 1-based): chr2:178,799,621, C>T on the plus strand (G>A on the coding strand, the complement: TTN is on the minus strand). VCF-style: chr2-178799621-C-T. GRCh37 (hg19) VCF-style: chr2-179664348-C-T.
Other names: c.780G>A, p.Lys260= (NM_001256850.1, NM_003319.4, NM_133378.4 and 3 more transcripts).
Identifiers: ClinVar variation 1760736 (VCV001760736.9), dbSNP rs755731566, ClinGen allele CA2006226.

ClinVar aggregate classification (germline): Likely benign. Review status: criteria provided, multiple submitters, no conflicts (2 of 4 stars). 4 submissions from 4 submitters: Likely benign (4). Last evaluated 2026-09-09.

Conditions:
Cardiovascular phenotype. Identifiers: MedGen CN230736.
TTN-related disorder. Also called: TTN-related disorders; TTN-related condition; TTN-related disease.
Autosomal recessive limb-girdle muscular dystrophy type 2J (LGMDR10). Also called: MUSCULAR DYSTROPHY, LIMB-GIRDLE, AUTOSOMAL RECESSIVE 10; Limb-girdle muscular dystrophy, type 2J. Identifiers: Orphanet 140922, MedGen C1837342, MONDO:0012127, OMIM 608807.
Dilated cardiomyopathy 1G (CMD1G). Identifiers: Orphanet 154, MedGen C1858763, MONDO:0011400, OMIM 604145.

Allele frequency attached by ClinVar (database versions not stated): gnomAD 0.00001; gnomAD exomes 0.00001; TOPMed 0.00001; ExAC 0.00002.
gnomAD v4.1: 10 of 1,614,006 alleles (0.00062%); highest among the groups gnomAD compares: Non-Finnish European, 0.00085%; no homozygotes.

Submissions (4):

PreventionGenetics, part of Exact Sciences
Classification: Likely benign for TTN-related condition. Last evaluated: 2026-09-09. Review status: criteria provided, single submitter. Criteria: ACMG Guidelines, 2015. Collection method: clinical testing. Allele origin: germline.
Comment: This variant is classified as likely benign based on ACMG/AMP sequence variant interpretation guidelines (Richards et al. 2015 PMID: 25741868, with internal and published modifications).

Labcorp Genetics (formerly Invitae), Labcorp
Classification: Likely benign for Dilated cardiomyopathy 1G; Autosomal recessive limb-girdle muscular dystrophy type 2J. Last evaluated: 2025-10-28. Review status: criteria provided, single submitter. Criteria: Invitae Variant Classification Sherloc (09022015). Collection method: clinical testing. Allele origin: germline.

Blueprint Genetics
Classification: Likely benign. Last evaluated: 2024-05-27. Review status: criteria provided, single submitter. Criteria: ACMG Guidelines, 2015. Collection method: clinical testing. Allele origin: germline.

Ambry Genetics
Classification: Likely benign for Cardiovascular phenotype. Last evaluated: 2022-10-07. Review status: criteria provided, single submitter. Criteria: Ambry Variant Classification Scheme 2023. Collection method: clinical testing. Allele origin: germline.